The following is an entry in ClinVar:

NM_001170700.3(DTHD1):c.856A>G (p.Ile286Val)

Gene: DTHD1 (death domain containing 1; plus strand). Cytogenetic location: 4p14.
Variant type: single nucleotide variant.
Coding change: c.856A>G on transcript NM_001170700.3 (MANE Select); coding-DNA position 856, A replaced by G.
Protein change: p.Ile286Val; replaces isoleucine 286 with valine.
Molecular consequence: missense variant. On other transcripts: non-coding transcript variant (2), intron variant (2).
Genome position (GRCh38, 1-based): chr4:36,284,560, A>G. VCF-style: chr4-36284560-A-G. GRCh37 (hg19) VCF-style: chr4-36286182-A-G.
Other names: c.481A>G (NM_001170700.2); c.17+2531A>G (NM_001136536.5, NM_001378435.1); short protein forms I286V.
Identifiers: ClinVar variation 4966818 (VCV004966818.2).

ClinVar aggregate classification (germline): Likely benign. Review status: criteria provided, multiple submitters, no conflicts (2 of 4 stars). 2 submissions from 2 submitters: Likely benign (2). Last evaluated 2026-02-16.

Conditions:
DTHD1-related disorder. Also called: DTHD1-related condition.

gnomAD v4.1: 220 of 1,525,096 alleles (0.014%); highest among the groups gnomAD compares: South Asian, 0.26%; 1 homozygote.

Submissions (2):

PreventionGenetics, part of Exact Sciences
Classification: Likely benign for DTHD1-related condition. Last evaluated: 2026-02-16. Review status: criteria provided, single submitter. Criteria: ACMG Guidelines, 2015. Collection method: clinical testing. Allele origin: germline.
Comment: This variant is classified as likely benign based on ACMG/AMP sequence variant interpretation guidelines (Richards et al. 2015 PMID: 25741868, with internal and published modifications).

Blueprint Genetics
Classification: Likely benign. Last evaluated: 2024-03-24. Review status: criteria provided, single submitter. Criteria: ACMG Guidelines, 2015. Collection method: clinical testing. Allele origin: germline.